The following is an entry in ClinVar:

NM_021954.4(GJA3):c.563A>G (p.Asn188Ser)

Gene: GJA3 (gap junction protein alpha 3; minus strand). Cytogenetic location: 13q12.11.
Variant type: single nucleotide variant.
Coding change: c.563A>G on transcript NM_021954.4 (MANE Select); coding-DNA position 563, A replaced by G.
Protein change: p.Asn188Ser; replaces asparagine 188 with serine.
Molecular consequence: missense variant.
Genome position (GRCh38, 1-based): chr13:20,142,726, T>C on the plus strand (A>G on the coding strand, the complement: GJA3 is on the minus strand). VCF-style: chr13-20142726-T-C. GRCh37 (hg19) VCF-style: chr13-20716865-T-C.
Other names: short protein forms N188S.
Identifiers: ClinVar variation 1202607 (VCV001202607.3), dbSNP rs140332366, ClinGen allele CA6904093.
Genomic context (GRCh38, chr13:20,142,726, plus strand): 5'-AGCATGAAGATGATGAAGATGGTCTTCTCCGTGGGCCTGGAGATGAAGCAGTCCACCGTG[T>C]TGGGGCAGGGCCAGCGGTCGCAGCGGTAGAGCGGCTTCAGCTCGAAGCCGTACAGAAAGT-3'
Protein context (NP_068773.2, residues 178-198): LYRCDRWPCP[Asn188Ser]TVDCFISRPT

ClinVar aggregate classification (germline): Uncertain significance. Review status: criteria provided, single submitter (1 of 4 stars). 2 submissions from 2 submitters: Uncertain significance (1). 1 of the submissions does not count toward it. Last evaluated 2023-01-21.

Conditions:
Cataract 14 multiple types. Also called: CATARACT 14, NUCLEAR CORALLIFORM; CATARACT 14, EMBRYONAL NUCLEAR; CATARACT 14, COPPOCK-LIKE; CATARACT 14, ZONULAR PULVERULENT; CATARACT 14, NUCLEAR PULVERULENT; CATARACT 14, NUCLEAR PULVERULENT AND POSTERIOR POLAR. Identifiers: Orphanet 91492, MedGen C1866078, MONDO:0011162, OMIM 601885.

Allele frequency attached by ClinVar (database versions not stated): gnomAD exomes below 0.00001; ExAC 0.00001; gnomAD 0.00001; ESP Exome Variant Server 0.00008; TOPMed 0.00001.

Submissions (2):

Dept. Genetics and Cancer, Menzies Institute for Medical Research, University of Tasmania
Classification: Uncertain significance for Cataract 14 multiple types. Last evaluated: 2023-01-21. Review status: criteria provided, single submitter. Criteria: ACMG Guidelines, 2015. Collection method: curation. Allele origin: germline. Affected: yes.
Comment: Variant identified and curated during a GJA3 specific review of the literature in relation to pediatric or congenital cataract. ACMG-AMP criteria applied: PM2(Supporting), PM5(Supporting), PP3. Original variant report: PMID:35008666. The cataract phenotype reported for this variant is: Nuclear and cortical with dense fleck-like anterior/posterior subcapsular and diffuse dust-like pulverulent opacities. Additional phenotype/s reported in these individual/s are: High myopia. Gene review and curation guidelines are outlined in: DOI 10.1080/17469899.2023.2160320

Laboratory of NeuroGenetics and Regenerative Medicine, University of Maryland School of Medicine
Classification: Likely pathogenic for Cataract 14 multiple types. Review status: no assertion criteria provided. Collection method: case-control. Allele origin: inherited. Inheritance: Autosomal recessive inheritance. Affected: yes. Observed: 1 variant allele, 1 homozygote. Not counted in ClinVar's aggregate classification.

Literature cited by the submitters: PubMed 35008666 (cited by Dept. Genetics and Cancer, Menzies Institute for Medical Research, University of Tasmania).